The following is an entry in ClinVar:

ClinVar aggregate classification (germline): Benign (1 of 4 stars; one submission).

Conditions:
Retinitis pigmentosa (RP). Identifiers: Orphanet 791, MedGen C0035334, MeSH D012174, MONDO:0019200, OMIM 268000. Inheritance: Autosomal dominant, autosomal recessive and X linked inheritance.

Allele frequency attached by ClinVar (database versions not stated): gnomAD exomes 0.00181; 1000 Genomes Project 0.00938; 1000 Genomes Project 30x 0.00953; gnomAD 0.01037 and 0.01123; TOPMed 0.01123.
gnomAD v4.1: 1,731 of 246,140 alleles (0.7%); highest among the groups gnomAD compares: African/African-American, 3.6%; 36 homozygotes.

Submission:

Illumina Laboratory Services, Illumina
Classification: Benign for Retinitis pigmentosa. Last evaluated: 2018-01-13. Review status: criteria provided, single submitter. Criteria: ICSL Variant Classification Criteria 13 December 2019. Collection method: clinical testing. Allele origin: germline.
Comment: This variant was observed in the ICSL laboratory as part of a predisposition screen in an ostensibly healthy population. It had not been previously curated by ICSL or reported in the Human Gene Mutation Database (HGMD: prior to June 1st, 2018), and was therefore a candidate for classification through an automated scoring system. Utilizing variant allele frequency, disease prevalence and penetrance estimates, and inheritance mode, an automated score was calculated to assess if this variant is too frequent to cause the disease. Based on the score and internal cut-off values, a variant classified as benign is not then subjected to further curation. The score for this variant resulted in a classification of benign for this disease.

NM_152443.3(RDH12):c.*385T>C

Genes: GPHN (gephyrin; plus strand), RDH12 (retinol dehydrogenase 12; plus strand), ZFYVE26 (zinc finger FYVE-type containing 26; minus strand). Cytogenetic location: 14q24.1.
Variant type: single nucleotide variant.
Coding change: c.*385T>C on transcript NM_152443.3 (MANE Select); 385 bases downstream of the stop codon, T replaced by C.
Molecular consequence: 3 prime UTR variant.
Genome position (GRCh38, 1-based): chr14:67,734,233, T>C. VCF-style: chr14-67734233-T-C. GRCh37 (hg19) VCF-style: chr14-68200950-T-C.
Identifiers: ClinVar variation 882449 (VCV000882449.4), dbSNP rs28407185, ClinGen allele CA262812029.
Genomic context (GRCh38, chr14:67,734,233, plus strand): 5'-ATCAGCACCAGAGGCTCAGCTGAGGCAAGAAGAGCACCATCACTGCCTATTTCTAGGGGC[T>C]ATACACTCCAACTCTTGGTTGATCTCTTTCTTTTTAAAAATATTTGCCACCACCCTGGAG-3'